The following is an entry in ClinVar:

ClinVar aggregate classification (germline): Uncertain significance (1 of 4 stars; one submission).

Submission:

Labcorp Genetics (formerly Invitae), Labcorp
Classification: Uncertain significance. Last evaluated: 2023-09-25. Review status: criteria provided, single submitter. Criteria: Invitae Variant Classification Sherloc (09022015). Collection method: clinical testing. Allele origin: germline.
Comment: In summary, the available evidence is currently insufficient to determine the role of this variant in disease. Therefore, it has been classified as a Variant of Uncertain Significance. An algorithm developed to predict the effect of missense changes on protein structure and function (PolyPhen-2) suggests that this variant is likely to be disruptive. This variant has not been reported in the literature in individuals affected with CDC42-related conditions. This variant is not present in population databases (gnomAD no frequency). This sequence change replaces arginine, which is basic and polar, with lysine, which is basic and polar, at codon 120 of the CDC42 protein (p.Arg120Lys).

NM_001791.4(CDC42):c.359G>A (p.Arg120Lys)

Gene: CDC42 (cell division cycle 42; plus strand). Cytogenetic location: 1p36.12.
Variant type: single nucleotide variant.
Coding change: c.359G>A on transcript NM_001791.4 (MANE Select); coding-DNA position 359, G replaced by A.
Protein change: p.Arg120Lys; replaces arginine 120 with lysine.
Molecular consequence: missense variant.
Genome position (GRCh38, 1-based): chr1:22,086,739, G>A. VCF-style: chr1-22086739-G-A. GRCh37 (hg19) VCF-style: chr1-22413232-G-A.
Other names: c.359G>A, p.Arg120Lys (NM_001039802.2, NM_044472.3); short protein forms R120K.
Identifiers: ClinVar variation 2761642 (VCV002761642.3), dbSNP rs2522222793, ClinGen allele CA338907383.
Genomic context (GRCh38, chr1:22,086,739, plus strand): 5'-AGATAACTCACCACTGTCCAAAGACTCCTTTCTTGCTTGTTGGGACTCAAATTGATCTCA[G>A]AGATGACCCCTCTACTATTGAGAAACTTGCCAAGAACAAACAGAAGCCTATCACTCCAGA-3'
Protein context (NP_001782.1, residues 110-130): FLLVGTQIDL[Arg120Lys]DDPSTIEKLA